The following is an entry in ClinVar:

ClinVar aggregate classification (germline): Pathogenic (1 of 4 stars; one submission).

Submission:

Labcorp Genetics (formerly Invitae), Labcorp
Classification: Pathogenic. Last evaluated: 2022-02-11. Review status: criteria provided, single submitter. Criteria: Invitae Variant Classification Sherloc (09022015). Collection method: clinical testing. Allele origin: germline.
Comment: This premature translational stop signal has been observed in individual(s) with nail-patella syndrome (PMID: 10571942, 25898926). This sequence change creates a premature translational stop signal (p.Gln162*) in the LMX1B gene. It is expected to result in an absent or disrupted protein product. Loss-of-function variants in LMX1B are known to be pathogenic (PMID: 9590287, 15498463). This variant is not present in population databases (gnomAD no frequency). This variant is also known as p.Gln139*. For these reasons, this variant has been classified as Pathogenic.

Literature cited by the submitters: PubMed 10571942; PubMed 25898926; PubMed 9590287; PubMed 15498463.

NM_001174147.2(LMX1B):c.484C>T (p.Gln162Ter)

Gene: LMX1B (LIM homeobox transcription factor 1 beta; plus strand). Cytogenetic location: 9q33.3.
Variant type: single nucleotide variant.
Coding change: c.484C>T on transcript NM_001174147.2 (MANE Select); coding-DNA position 484, C replaced by T.
Protein change: p.Gln162Ter; replaces glutamine 162 with a stop codon.
Molecular consequence: nonsense.
Genome position (GRCh38, 1-based): chr9:126,690,993, C>T. VCF-style: chr9-126690993-C-T. GRCh37 (hg19) VCF-style: chr9-129453272-C-T.
Other names: c.484C>T, p.Gln162Ter (NM_001174146.2, NM_002316.4); short protein forms Q162*.
Identifiers: ClinVar variation 1457457 (VCV001457457.6), dbSNP rs2118987177, ClinGen allele CA374912681.